The following is an entry in ClinVar:

NM_006922.4(SCN3A):c.739C>A (p.Leu247Ile)

Gene: SCN3A (sodium voltage-gated channel alpha subunit 3; minus strand). Cytogenetic location: 2q24.3.
Variant type: single nucleotide variant.
Coding change: c.739C>A on transcript NM_006922.4 (MANE Select); coding-DNA position 739, C replaced by A.
Protein change: p.Leu247Ile; replaces leucine 247 with isoleucine.
Molecular consequence: missense variant.
Genome position (GRCh38, 1-based): chr2:165,162,784, G>T on the plus strand (C>A on the coding strand, the complement: SCN3A is on the minus strand). VCF-style: chr2-165162784-G-T. GRCh37 (hg19) VCF-style: chr2-166019294-G-T.
Other names: c.739C>A, p.Leu247Ile (NM_001081676.2, NM_001081677.2); short protein forms L247I.
Identifiers: ClinVar variation 2024726 (VCV002024726.4), dbSNP rs1288049747, ClinGen allele CA349239357.

ClinVar aggregate classification (germline): Uncertain significance (1 of 4 stars; one submission).

Allele frequency attached by ClinVar (database versions not stated): TOPMed 0.00001.

Submission:

Labcorp Genetics (formerly Invitae), Labcorp
Classification: Uncertain significance. Last evaluated: 2022-10-06. Review status: criteria provided, single submitter. Criteria: Invitae Variant Classification Sherloc (09022015). Collection method: clinical testing. Allele origin: germline.
Comment: This sequence change replaces leucine, which is neutral and non-polar, with isoleucine, which is neutral and non-polar, at codon 247 of the SCN3A protein (p.Leu247Ile). This variant is not present in population databases (gnomAD no frequency). This variant has not been reported in the literature in individuals affected with SCN3A-related conditions. Advanced modeling of protein sequence and biophysical properties (such as structural, functional, and spatial information, amino acid conservation, physicochemical variation, residue mobility, and thermodynamic stability) has been performed at Invitae for this missense variant, however the output from this modeling did not meet the statistical confidence thresholds required to predict the impact of this variant on SCN3A protein function. This variant disrupts the p.Lys247 amino acid residue in SCN3A. Other variant(s) that disrupt this residue have been determined to be pathogenic (PMID: 28235671). This suggests that this residue is clinically significant, and that variants that disrupt this residue are likely to be disease-causing. In summary, the available evidence is currently insufficient to determine the role of this variant in disease. Therefore, it has been classified as a Variant of Uncertain Significance.

Literature cited by the submitters: PubMed 28235671.